The following is an entry in ClinVar:

NM_014846.4(WASHC5):c.2200-14C>A

Gene: WASHC5 (WASH complex subunit 5; minus strand). Cytogenetic location: 8q24.13.
Variant type: single nucleotide variant.
Coding change: c.2200-14C>A on transcript NM_014846.4 (MANE Select); 14 bases into the intron before coding-DNA position 2200, C replaced by A.
Molecular consequence: intron variant.
Genome position (GRCh38, 1-based): chr8:125,049,199, G>T on the plus strand (C>A on the coding strand, the complement: WASHC5 is on the minus strand). VCF-style: chr8-125049199-G-T. GRCh37 (hg19) VCF-style: chr8-126061441-G-T.
Other names: c.1756-14C>A (NM_001330609.2).
Identifiers: ClinVar variation 3366429 (VCV003366429.2).

ClinVar aggregate classification (germline): Conflicting classifications of pathogenicity. Review status: criteria provided, conflicting classifications (1 of 4 stars). 2 submissions from 2 submitters: Uncertain significance (1); Likely benign (1). Last evaluated 2024-08-07.

gnomAD v4.1: 5 of 1,613,794 alleles (0.00031%); highest among the groups gnomAD compares: Non-Finnish European, 0.00042%; no homozygotes.

Submissions (2):

Women's Health and Genetics/Laboratory Corporation of America, LabCorp
Classification: Uncertain significance. Last evaluated: 2024-08-07. Review status: criteria provided, single submitter. Criteria: LabCorp Variant Classification Summary - May 2015. Collection method: clinical testing. Allele origin: germline.
Comment: Variant summary: KIAA0196 (aka. WASHC5) c.2200-14C>A alters a non-conserved nucleotide located at a position not widely known to affect splicing. Several computational tools predict a significant impact on normal splicing: two predict the variant no significant impact on splicing, while two predict the variant weakens a 3' acceptor site. However, these predictions have yet to be confirmed by functional studies. The variant allele was found at a frequency of 3.1e-06 in 1606822 control chromosomes in the gnomAD database (v4.1 dataset). The available data on variant occurrences in the general population are insufficient to allow any conclusion about variant significance. To our knowledge, no occurrence of c.2200-14C>A in individuals affected with Ritscher-Schinzel Syndrome 1 and no experimental evidence demonstrating its impact on protein function have been reported. No submitters have cited clinical-significance assessments for this variant to ClinVar. Based on the evidence outlined above, the variant was classified as uncertain significance.

Blueprint Genetics
Classification: Likely benign. Last evaluated: 2021-10-01. Review status: criteria provided, single submitter. Criteria: ACMG Guidelines, 2015. Collection method: clinical testing. Allele origin: germline.